The following is an entry in ClinVar:

NM_020937.4(FANCM):c.1397-6A>C

Gene: FANCM (FA complementation group M; plus strand). Cytogenetic location: 14q21.2.
Variant type: single nucleotide variant.
Coding change: c.1397-6A>C on transcript NM_020937.4 (MANE Select); 6 bases into the intron before coding-DNA position 1397, A replaced by C.
Molecular consequence: intron variant.
Genome position (GRCh38, 1-based): chr14:45,159,090, A>C. VCF-style: chr14-45159090-A-C. GRCh37 (hg19) VCF-style: chr14-45628293-A-C.
Other names: c.1319-6A>C (NM_001308133.2); c.1397-6A>C (NM_001308134.2).
Identifiers: ClinVar variation 4533123 (VCV004533123.2).

ClinVar aggregate classification (germline): Conflicting classifications of pathogenicity. Review status: criteria provided, conflicting classifications (1 of 4 stars). 2 submissions from 2 submitters: Uncertain significance (1); Likely benign (1). Last evaluated 2025-07-11.

Conditions:
Fanconi anemia (FA). Also called: Fanconi's anemia. Identifiers: Orphanet 84, MedGen C0015625, MeSH D005199, MONDO:0019391.

Submissions (2):

Quest Diagnostics Nichols Institute San Juan Capistrano
Classification: Uncertain significance. Last evaluated: 2025-07-11. Review status: criteria provided, single submitter. Criteria: Quest Diagnostics criteria. Collection method: clinical testing. Allele origin: unknown.
Comment: The FANCM c.1397-6A>C variant has not been reported in individuals with FANCM-related conditions in the published literature. It also has not been reported in large, multi-ethnic general populations (Genome Aggregation Database). Analysis of this variant using software algorithms for the prediction of the effect of nucleotide changes on splicing yielded predictions that this variant does not affect FANCM mRNA splicing. Based on the available information, we are unable to determine the clinical significance of this variant.

Labcorp Genetics (formerly Invitae), Labcorp
Classification: Likely benign for Fanconi anemia. Last evaluated: 2025-02-12. Review status: criteria provided, single submitter. Criteria: Invitae Variant Classification Sherloc (09022015). Collection method: clinical testing. Allele origin: germline.